The following is an entry in ClinVar:

ClinVar aggregate classification (germline): Uncertain significance. Review status: criteria provided, multiple submitters, no conflicts (2 of 4 stars). 3 submissions from 3 submitters: Uncertain significance (3). Last evaluated 2026-07-07.

Conditions:
Hereditary cancer-predisposing syndrome. Also called: Hereditary Cancer Syndrome; Neoplastic Syndromes, Hereditary; Hereditary neoplastic syndrome; Tumor predisposition. Identifiers: Orphanet 140162, MedGen C0027672, MeSH D009386, MONDO:0015356.
Tuberous sclerosis syndrome (TSC). Also called: Tuberous Sclerosis Complex; Tuberous sclerosis. Identifiers: Orphanet 805, MedGen C0041341, MONDO:0001734.
Tuberous sclerosis 1 (TSC1). Identifiers: Orphanet 805, MedGen C1854465, MONDO:0008612, OMIM 191100.

Allele frequency attached by ClinVar (database versions not stated): gnomAD exomes below 0.00001.
gnomAD v4.1: 2 of 1,614,238 alleles (0.00012%); highest among the groups gnomAD compares: Non-Finnish European, 0.000085%; no homozygotes.

Submissions (3):

Ambry Genetics
Classification: Uncertain significance for Hereditary cancer-predisposing syndrome. Last evaluated: 2026-07-07. Review status: criteria provided, single submitter. Criteria: Ambry Variant Classification Scheme 2023. Collection method: clinical testing. Allele origin: germline.
Comment: The p.T1076S variant (also known as c.3227C>G), located in coding exon 21 of the TSC1 gene, results from a C to G substitution at nucleotide position 3227. The threonine at codon 1076 is replaced by serine, an amino acid with similar properties. This amino acid position is conserved. In addition, this alteration is predicted to be tolerated by in silico analysis. Based on the available evidence, the clinical significance of this variant remains unclear.

Labcorp Genetics (formerly Invitae), Labcorp
Classification: Uncertain significance for Tuberous sclerosis 1. Last evaluated: 2024-07-30. Review status: criteria provided, single submitter. Criteria: Invitae Variant Classification Sherloc (09022015). Collection method: clinical testing. Allele origin: germline.
Comment: This sequence change replaces threonine, which is neutral and polar, with serine, which is neutral and polar, at codon 1076 of the TSC1 protein (p.Thr1076Ser). This variant is not present in population databases (gnomAD no frequency). This variant has not been reported in the literature in individuals affected with TSC1-related conditions. ClinVar contains an entry for this variant (Variation ID: 1387980). Advanced modeling of protein sequence and biophysical properties (such as structural, functional, and spatial information, amino acid conservation, physicochemical variation, residue mobility, and thermodynamic stability) performed at Invitae indicates that this missense variant is not expected to disrupt TSC1 protein function with a negative predictive value of 95%. In summary, the available evidence is currently insufficient to determine the role of this variant in disease. Therefore, it has been classified as a Variant of Uncertain Significance.

All of Us Research Program, National Institutes of Health
Classification: Uncertain significance for Tuberous sclerosis syndrome. Last evaluated: 2023-12-01. Review status: criteria provided, single submitter. Criteria: ACMG Guidelines, 2015. Collection method: clinical testing. Allele origin: germline. Inheritance: Autosomal dominant inheritance. Observed: 1 variant allele, 1 heterozygote.
Comment: This study involves interpretation of variants in research participants for the purpose of population health screening. Participant phenotype was not available at the time of variant classification. Additional details can be found in publication PMID: 35346344, PMCID: PMC8962531

NM_000368.5(TSC1):c.3227C>G (p.Thr1076Ser)

Gene: TSC1 (TSC complex subunit 1; minus strand). Cytogenetic location: 9q34.13.
Variant type: single nucleotide variant.
Coding change: c.3227C>G on transcript NM_000368.5 (MANE Select); coding-DNA position 3227, C replaced by G.
Protein change: p.Thr1076Ser; replaces threonine 1076 with serine.
Molecular consequence: missense variant.
Genome position (GRCh38, 1-based): chr9:132,896,503, G>C on the plus strand (C>G on the coding strand, the complement: TSC1 is on the minus strand). VCF-style: chr9-132896503-G-C. GRCh37 (hg19) VCF-style: chr9-135771890-G-C.
Other names: c.3224C>G, p.Thr1075Ser (NM_001162426.2); c.3074C>G, p.Thr1025Ser (NM_001162427.2); c.2864C>G, p.Thr955Ser (NM_001362177.2); c.3227C>G (NM_000368.4); short protein forms T1075S, T955S, T1025S, T1076S.
Identifiers: ClinVar variation 1387980 (VCV001387980.8), dbSNP rs2131600316, ClinGen allele CA375366943.